The following is an entry in ClinVar:

ClinVar aggregate classification (germline): Uncertain significance (1 of 4 stars; one submission).

Conditions:
Muscular dystrophy-dystroglycanopathy (congenital with brain and eye anomalies), type a, 8 (MDDGA8). Also called: WALKER-WARBURG SYNDROME OR MUSCLE-EYE-BRAIN DISEASE, GTDC2-RELATED. Identifiers: Orphanet 899, MedGen C3553813, MONDO:0013904, OMIM 614830.

Allele frequency attached by ClinVar (database versions not stated): gnomAD 0.00002; TOPMed 0.00002; gnomAD exomes 0.00004 and 0.00005; ExAC 0.00006.
gnomAD v4.1: 57 of 1,614,094 alleles (0.0035%); highest among the groups gnomAD compares: South Asian, 0.014%; no homozygotes.

Submission:

Labcorp Genetics (formerly Invitae), Labcorp
Classification: Uncertain significance for Muscular dystrophy-dystroglycanopathy (congenital with brain and eye anomalies), type a, 8. Last evaluated: 2022-08-16. Review status: criteria provided, single submitter. Criteria: Invitae Variant Classification Sherloc (09022015). Collection method: clinical testing. Allele origin: germline.
Comment: This sequence change replaces glutamic acid, which is acidic and polar, with lysine, which is basic and polar, at codon 89 of the POMGNT2 protein (p.Glu89Lys). This variant is present in population databases (rs766108967, gnomAD 0.02%). This variant has not been reported in the literature in individuals affected with POMGNT2-related conditions. ClinVar contains an entry for this variant (Variation ID: 1468576). Algorithms developed to predict the effect of missense changes on protein structure and function are either unavailable or do not agree on the potential impact of this missense change (SIFT: "Deleterious"; PolyPhen-2: "Benign"; Align-GVGD: "Class C55"). In summary, the available evidence is currently insufficient to determine the role of this variant in disease. Therefore, it has been classified as a Variant of Uncertain Significance.

NM_032806.6(POMGNT2):c.265G>A (p.Glu89Lys)

Gene: POMGNT2 (protein O-linked mannose N-acetylglucosaminyltransferase 2 (beta 1,4-); minus strand). Cytogenetic location: 3p22.1.
Variant type: single nucleotide variant.
Coding change: c.265G>A on transcript NM_032806.6 (MANE Select); coding-DNA position 265, G replaced by A.
Protein change: p.Glu89Lys; replaces glutamic acid 89 with lysine.
Molecular consequence: missense variant.
Genome position (GRCh38, 1-based): chr3:43,081,167, C>T on the plus strand (G>A on the coding strand, the complement: POMGNT2 is on the minus strand). VCF-style: chr3-43081167-C-T. GRCh37 (hg19) VCF-style: chr3-43122659-C-T.
Other names: short protein forms E89K.
Identifiers: ClinVar variation 1468576 (VCV001468576.3), dbSNP rs766108967, ClinGen allele CA2340113.